The following is an entry in ClinVar:

ClinVar aggregate classification (germline): Uncertain significance (1 of 4 stars; one submission).

Conditions:
Hypertrophic cardiomyopathy. Also called: HYPERTROPHIC MYOCARDIOPATHY. Identifiers: Orphanet 217569, MedGen C0007194, MeSH D002312, MONDO:0005045, HP:0001639.

Submission:

Labcorp Genetics (formerly Invitae), Labcorp
Classification: Uncertain significance for Hypertrophic cardiomyopathy. Last evaluated: 2025-03-17. Review status: criteria provided, single submitter. Criteria: Invitae Variant Classification Sherloc (09022015). Collection method: clinical testing. Allele origin: germline.
Comment: This sequence change creates a premature translational stop signal (p.Glu57Alafs*67) in the MYOM1 gene. It is expected to result in an absent or disrupted protein product. However, the current clinical and genetic evidence is not sufficient to establish whether loss-of-function variants in MYOM1 cause disease. This variant is not present in population databases (gnomAD no frequency). This variant has not been reported in the literature in individuals affected with MYOM1-related conditions. ClinVar contains an entry for this variant (Variation ID: 1026096). In summary, the available evidence is currently insufficient to determine the role of this variant in disease. Therefore, it has been classified as a Variant of Uncertain Significance.

NM_003803.4(MYOM1):c.43_169dup (p.Glu57fs)

Gene: MYOM1 (myomesin 1; minus strand). Cytogenetic location: 18p11.31.
Variant type: Duplication.
Coding change: c.43_169dup on transcript NM_003803.4 (MANE Select); coding-DNA positions 43 to 169, 127 bases duplicated.
Protein change: p.Glu57fs; shifts the reading frame from glutamic acid 57.
Molecular consequence: frameshift variant.
Genome position (GRCh38, 1-based): chr18:3,215,055-3,215,181, 127 bases duplicated. GRCh37 (hg19): chr18:3,215,053-3,215,179.
Other names: c.43_169dup, p.Glu57fs (NM_019856.2); short protein forms E57fs.
Identifiers: ClinVar variation 1026096 (VCV001026096.6), dbSNP rs2081245746, ClinGen allele CA2280923870.